The following is an entry in ClinVar:

ClinVar aggregate classification (germline): Uncertain significance (1 of 4 stars; one submission).

Submission:

Labcorp Genetics (formerly Invitae), Labcorp
Classification: Uncertain significance. Last evaluated: 2024-09-01. Review status: criteria provided, single submitter. Criteria: Invitae Variant Classification Sherloc (09022015). Collection method: clinical testing. Allele origin: germline.
Comment: This sequence change replaces asparagine, which is neutral and polar, with lysine, which is basic and polar, at codon 546 of the ALPK3 protein (p.Asn546Lys). This variant is not present in population databases (gnomAD no frequency). This variant has not been reported in the literature in individuals affected with ALPK3-related conditions. An algorithm developed to predict the effect of missense changes on protein structure and function outputs the following: PolyPhen-2: "Possibly Damaging". The lysine amino acid residue is found in multiple mammalian species, which suggests that this missense change does not adversely affect protein function. In summary, the available evidence is currently insufficient to determine the role of this variant in disease. Therefore, it has been classified as a Variant of Uncertain Significance.

NM_020778.5(ALPK3):c.1032C>G (p.Asn344Lys)

Gene: ALPK3 (alpha kinase 3; plus strand). Cytogenetic location: 15q25.3.
Variant type: single nucleotide variant.
Coding change: c.1032C>G on transcript NM_020778.5 (MANE Select); coding-DNA position 1032, C replaced by G.
Protein change: p.Asn344Lys; replaces asparagine 344 with lysine.
Molecular consequence: missense variant.
Genome position (GRCh38, 1-based): chr15:84,840,311, C>G. VCF-style: chr15-84840311-C-G. GRCh37 (hg19) VCF-style: chr15-85383542-C-G.
Other names: short protein forms N344K.
Identifiers: ClinVar variation 3664146 (VCV003664146.2).